The following is an entry in ClinVar:

ClinVar aggregate classification (germline): Uncertain significance (1 of 4 stars; one submission).

Conditions:
Renal coloboma syndrome (PAPRS). Also called: PAPILLORENAL SYNDROME; COLOBOMA OF OPTIC NERVE WITH RENAL DISEASE; OPTIC COLOBOMA, VESICOURETERAL REFLUX, AND RENAL ANOMALIES; OPTIC NERVE COLOBOMA WITH RENAL DISEASE; RENAL-COLOBOMA SYNDROME WITH MACULAR ABNORMALITIES; CONGENITAL ANOMALIES OF THE KIDNEY AND URINARY TRACT WITH OR WITHOUT OCULAR ABNORMALITIES. Identifiers: Orphanet 1475, MedGen C1852759, MONDO:0007352, OMIM 120330.

Submission:

Neuberg Centre For Genomic Medicine, NCGM
Classification: Uncertain significance for Renal coloboma syndrome. Review status: criteria provided, single submitter. Criteria: ACMG Guidelines, 2015. Collection method: clinical testing. Allele origin: germline. Inheritance: Autosomal dominant inheritance. Affected: yes.
Comment: The missense variant c.188G>A (p.Gly63Asp) in PAX2 gene has not been reported previously as a pathogenic variant nor as a benign variant, to our knowledge. This variant has not been reported to the ClinVar database. The p.Gly63Asp variant is novel (not in any individuals) in gnomAD Exomes and 1000 Genomes. The amino acid Gly at position 63 is changed to a Asp changing protein sequence and it might alter its composition and physico-chemical properties. The amino acid change p.Gly63Asp in PAX2 is predicted as conserved by GERP++ and PhyloP across 100 vertebrates. For these reasons, this variant has been classified as Uncertain Significance (VUS).

NM_000278.5(PAX2):c.188G>A (p.Gly63Asp)

Gene: PAX2 (paired box 2; plus strand). Cytogenetic location: 10q24.31.
Variant type: single nucleotide variant.
Coding change: c.188G>A on transcript NM_000278.5 (MANE Select); coding-DNA position 188, G replaced by A.
Protein change: p.Gly63Asp; replaces glycine 63 with aspartic acid.
Molecular consequence: missense variant.
Genome position (GRCh38, 1-based): chr10:100,749,890, G>A. VCF-style: chr10-100749890-G-A. GRCh37 (hg19) VCF-style: chr10-102509647-G-A.
Other names: c.281G>A, p.Gly94Asp (NM_001304569.2); c.188G>A, p.Gly63Asp (NM_003987.5, NM_003988.5, NM_003989.5 and 1 more transcripts); short protein forms G63D, G94D.
Identifiers: ClinVar variation 2584792 (VCV002584792.1), dbSNP rs2492893661, ClinGen allele CA378257711.